The following is an entry in ClinVar:

NM_003660.4(PPFIA3):c.887C>T (p.Ala296Val)

Gene: PPFIA3 (PTPRF interacting protein alpha 3; plus strand). Cytogenetic location: 19q13.33.
Variant type: single nucleotide variant.
Coding change: c.887C>T on transcript NM_003660.4 (MANE Select); coding-DNA position 887, C replaced by T.
Protein change: p.Ala296Val; replaces alanine 296 with valine.
Molecular consequence: missense variant. On other transcripts: non-coding transcript variant (1).
Genome position (GRCh38, 1-based): chr19:49,133,008, C>T. VCF-style: chr19-49133008-C-T. GRCh37 (hg19) VCF-style: chr19-49636265-C-T.
Other names: short protein forms A296V.
Identifiers: ClinVar variation 3342916 (VCV003342916.1).

ClinVar aggregate classification (germline): Uncertain significance (1 of 4 stars; one submission).

Submission:

GeneDx
Classification: Uncertain significance. Last evaluated: 2023-04-02. Review status: criteria provided, single submitter. Criteria: GeneDx Variant Classification Process June 2021. Collection method: clinical testing. Allele origin: germline. Affected: yes.
Comment: Not observed at significant frequency in large population cohorts (gnomAD); In silico analysis supports that this missense variant has a deleterious effect on protein structure/function; Has not been previously published as pathogenic or benign to our knowledge; Variants in candidate genes are classified as variants of uncertain significance in accordance with ACMG guidelines (Richards et al., 2015)